The following is an entry in ClinVar:

NM_001195263.2(PDZD7):c.305G>A (p.Arg102His)

Gene: PDZD7 (PDZ domain containing 7; minus strand). Cytogenetic location: 10q24.31.
Variant type: single nucleotide variant.
Coding change: c.305G>A on transcript NM_001195263.2 (MANE Select); coding-DNA position 305, G replaced by A.
Protein change: p.Arg102His; replaces arginine 102 with histidine.
Molecular consequence: missense variant.
Genome position (GRCh38, 1-based): chr10:101,023,990, C>T on the plus strand (G>A on the coding strand, the complement: PDZD7 is on the minus strand). VCF-style: chr10-101023990-C-T. GRCh37 (hg19) VCF-style: chr10-102783747-C-T.
Other names: c.305G>A, p.Arg102His (NM_001351044.2, NM_024895.5); short protein forms R102H.
Identifiers: ClinVar variation 1310828 (VCV001310828.3), dbSNP rs760825921, ClinGen allele CA5654449.

ClinVar aggregate classification (germline): Uncertain significance. Review status: criteria provided, multiple submitters, no conflicts (2 of 4 stars). 2 submissions from 2 submitters: Uncertain significance (2). Last evaluated 2022-07-06.

Allele frequency attached by ClinVar (database versions not stated): gnomAD 0.00001; gnomAD exomes 0.00001 and 0.00002; TOPMed 0.00001; ExAC 0.00002.
gnomAD v4.1: 26 of 1,614,270 alleles (0.0016%); highest among the groups gnomAD compares: East Asian, 0.011%; no homozygotes.

Submissions (2):

Labcorp Genetics (formerly Invitae), Labcorp
Classification: Uncertain significance. Last evaluated: 2022-07-06. Review status: criteria provided, single submitter. Criteria: Invitae Variant Classification Sherloc (09022015). Collection method: clinical testing. Allele origin: germline.
Comment: This sequence change replaces arginine, which is basic and polar, with histidine, which is basic and polar, at codon 102 of the PDZD7 protein (p.Arg102His). This variant is present in population databases (rs760825921, gnomAD 0.004%). This missense change has been observed in individual(s) with deafness (PMID: 33105617). ClinVar contains an entry for this variant (Variation ID: 1310828). Algorithms developed to predict the effect of missense changes on protein structure and function are either unavailable or do not agree on the potential impact of this missense change (SIFT: "Deleterious"; PolyPhen-2: "Not Available"; Align-GVGD: "Class C25"). In summary, the available evidence is currently insufficient to determine the role of this variant in disease. Therefore, it has been classified as a Variant of Uncertain Significance.

GeneDx
Classification: Uncertain significance. Last evaluated: 2019-08-30. Review status: criteria provided, single submitter. Criteria: GeneDx Variant Classification Process June 2021. Collection method: clinical testing. Allele origin: germline. Affected: yes.
Comment: In silico analysis, which includes protein predictors and evolutionary conservation, supports a deleterious effect; Has not been previously published as pathogenic or benign to our knowledge; This variant is associated with the following publications: (PMID: 33105617)

Literature cited by the submitters: PubMed 33105617 (cited by Labcorp Genetics (formerly Invitae), Labcorp).